The following is an entry in ClinVar:

ClinVar aggregate classification (germline): Pathogenic (1 of 4 stars; one submission).

Conditions:
Retinoblastoma (RB1). Also called: RETINOBLASTOMA, SOMATIC. Identifiers: Orphanet 790, MedGen C0035335, MeSH D012175, MONDO:0008380, OMIM 180200, HP:0009919. Disease mechanism: loss of function. Inheritance: Both sporadic and heritable forms are tested..

Submission:

Labcorp Genetics (formerly Invitae), Labcorp
Classification: Pathogenic for Retinoblastoma. Last evaluated: 2021-06-25. Review status: criteria provided, single submitter. Criteria: Invitae Variant Classification Sherloc (09022015). Collection method: clinical testing. Allele origin: germline.
Comment: This sequence change affects an acceptor splice site in intron 16 of the RB1 gene. RNA analysis indicates that this variant induces altered splicing and may result in an absent or disrupted protein product. This variant is not present in population databases (ExAC no frequency). This variant has been observed in individual(s) with bilateral retinoblastoma (PMID: 11480772, Invitae). This variant is also known as IVS16-2A>C. ClinVar contains an entry for this variant (Variation ID: 583225). Studies have shown that this variant is associated with skipping of exon 17, which introduces a premature termination codon (PMID: 11480772). The resulting mRNA is expected to undergo nonsense-mediated decay. For these reasons, this variant has been classified as Pathogenic.

Literature cited by the submitters: PubMed 11480772.

NM_000321.3(RB1):c.1499-2A>C

Gene: RB1 (RB transcriptional corepressor 1; plus strand). Cytogenetic location: 13q14.2.
Variant type: single nucleotide variant.
Coding change: c.1499-2A>C on transcript NM_000321.3 (MANE Select); the canonical splice acceptor site of the intron before coding-DNA position 1499, A replaced by C.
Molecular consequence: splice acceptor variant.
Genome position (GRCh38, 1-based): chr13:48,381,245, A>C. VCF-style: chr13-48381245-A-C. GRCh37 (hg19) VCF-style: chr13-48955381-A-C.
Other names: c.1499-2A>C (NM_001407165.1, NM_001407166.1).
Identifiers: ClinVar variation 583225 (VCV000583225.7), dbSNP rs1258442224, ClinGen allele CA388163245.